The following is an entry in ClinVar:

ClinVar aggregate classification (germline): Uncertain significance (1 of 4 stars; one submission).

Conditions:
Biotinidase deficiency. Also called: BTD deficiency; Late-onset biotin-responsive multiple carboxylase deficiency; Biotin deficiency. Identifiers: Orphanet 79241, MedGen C0220754, MONDO:0009665, OMIM 253260.

Allele frequency attached by ClinVar (database versions not stated): gnomAD 0.00001; ExAC 0.00001.
gnomAD v4.1: 2 of 1,614,076 alleles (0.00012%); highest among the groups gnomAD compares: African/African-American, 0.0027%; no homozygotes.

Submission:

Labcorp Genetics (formerly Invitae), Labcorp
Classification: Uncertain significance for Biotinidase deficiency. Last evaluated: 2021-01-19. Review status: criteria provided, single submitter. Criteria: Invitae Variant Classification Sherloc (09022015). Collection method: clinical testing. Allele origin: germline.
Comment: This sequence change replaces phenylalanine with leucine at codon 217 of the BTD protein (p.Phe217Leu). The phenylalanine residue is highly conserved and there is a small physicochemical difference between phenylalanine and leucine. This variant is present in population databases (rs767750851, ExAC 0.01%). This variant has not been reported in the literature in individuals with BTD-related conditions. Algorithms developed to predict the effect of missense changes on protein structure and function are either unavailable or do not agree on the potential impact of this missense change (SIFT: "Tolerated"; PolyPhen-2: "Probably Damaging"; Align-GVGD: "Class C0"). In summary, the available evidence is currently insufficient to determine the role of this variant in disease. Therefore, it has been classified as a Variant of Uncertain Significance.

NM_001370658.1(BTD):c.591T>G (p.Phe197Leu)

Gene: BTD (biotinidase; plus strand). Cytogenetic location: 3p25.1.
Variant type: single nucleotide variant.
Coding change: c.591T>G on transcript NM_001370658.1 (MANE Select); coding-DNA position 591, T replaced by G.
Protein change: p.Phe197Leu; replaces phenylalanine 197 with leucine.
Molecular consequence: missense variant. On other transcripts: intron variant (1).
Genome position (GRCh38, 1-based): chr3:15,644,507, T>G. VCF-style: chr3-15644507-T-G. GRCh37 (hg19) VCF-style: chr3-15686014-T-G.
Other names: c.591T>G, p.Phe197Leu (NM_001323582.2, NM_001407375.1, NM_001407376.1 and 18 more transcripts); c.399+2450T>G (NM_001370753.1); c.651T>G, p.Phe217Leu (NM_000060.4); short protein forms F197L, F217L.
Identifiers: ClinVar variation 1521746 (VCV001521746.9), dbSNP rs767750851, ClinGen allele CA2277355.